The following is an entry in ClinVar:

ClinVar aggregate classification (germline): Conflicting classifications of pathogenicity. Review status: criteria provided, conflicting classifications (1 of 4 stars). 6 submissions from 6 submitters: Uncertain significance (5); Likely benign (1). Last evaluated 2025-06-06.

Conditions:
Familial thoracic aortic aneurysm and aortic dissection (TAAD). Also called: Thoracic aortic aneurysms and dissections. Identifiers: Orphanet 91387, MedGen C4707243, MONDO:0019625.
Marfan syndrome (MFS). Also called: Marfan syndrome type 1; Marfan's syndrome; Marfan syndrome, classic; MARFAN SYNDROME, TYPE I; FBN1-Related Marfan Syndrome. Identifiers: Orphanet 284963, Orphanet 558, MedGen C0024796, MONDO:0007947, OMIM 154700.
FBN1-related disorder. Also called: FBN1-related disorders.

Allele frequency attached by ClinVar (database versions not stated): TOPMed 0.00001; gnomAD exomes 0.00001 and below 0.00001.
gnomAD v4.1: 8 of 1,592,218 alleles (0.0005%); highest among the groups gnomAD compares: Non-Finnish European, 0.0006%; no homozygotes.

Submissions (6):

GeneDx
Classification: Uncertain significance. Last evaluated: 2025-06-06. Review status: criteria provided, single submitter. Criteria: GeneDx Variant Classification Process June 2021. Collection method: clinical testing. Allele origin: germline. Affected: yes.
Comment: Not observed at significant frequency in large population cohorts (gnomAD); In silico analysis suggests that this missense variant does not alter protein structure/function; Has not been previously published as pathogenic or benign to our knowledge; Does not affect a cysteine or calcium-binding residue within an EGF-like domain or a TGF-binding protein domain of the FBN1 gene; cysteine substitutions in the EGF-like domains represent the majority of pathogenic missense changes associated with FBN1-related disorders (PMID: 12938084); This variant is associated with the following publications: (PMID: 12938084)

Labcorp Genetics (formerly Invitae), Labcorp
Classification: Likely benign for Marfan syndrome; Familial thoracic aortic aneurysm and aortic dissection. Last evaluated: 2024-05-07. Review status: criteria provided, single submitter. Criteria: Invitae Variant Classification Sherloc (09022015). Collection method: clinical testing. Allele origin: germline.

All of Us Research Program, National Institutes of Health
Classification: Uncertain significance for Marfan syndrome. Last evaluated: 2023-12-13. Review status: criteria provided, single submitter. Criteria: ACMG Guidelines, 2015. Collection method: clinical testing. Allele origin: germline. Inheritance: Autosomal dominant inheritance. Observed: 3 variant alleles, 3 heterozygotes.
Comment: This missense variant replaces valine with isoleucine at codon 1196 of the FBN1 protein. Computational prediction suggests that this variant may not impact protein structure and function. To our knowledge, functional studies have not been reported for this variant. This variant has been reported in an individual affected with aortic dilation (PMID: 26133393), and in another individual affected with adolescent idiopathic scoliosis (PMID: 26333736). This variant has been identified in 1/245352 chromosomes in the general population by the Genome Aggregation Database (gnomAD). The available evidence is insufficient to determine the role of this variant in disease conclusively. Therefore, this variant is classified as a Variant of Uncertain Significance.

This study involves interpretation of variants in research participants for the purpose of population health screening. Participant phenotype was not available at the time of variant classification. Additional details can be found in publication PMID: 35346344, PMCID: PMC8962531

Color Diagnostics, LLC DBA Color Health
Classification: Uncertain significance for Familial thoracic aortic aneurysm and aortic dissection. Last evaluated: 2023-11-16. Review status: criteria provided, single submitter. Criteria: ACMG Guidelines, 2015. Collection method: clinical testing. Allele origin: germline.
Comment: This missense variant replaces valine with isoleucine at codon 1196 of the FBN1 protein. Computational prediction suggests that this variant may not impact protein structure and function. To our knowledge, functional studies have not been reported for this variant. This variant has been reported in an individual affected with aortic dilation (PMID: 26133393), and in another individual affected with adolescent idiopathic scoliosis (PMID: 26333736). This variant has been identified in 1/245352 chromosomes in the general population by the Genome Aggregation Database (gnomAD). The available evidence is insufficient to determine the role of this variant in disease conclusively. Therefore, this variant is classified as a Variant of Uncertain Significance.

PreventionGenetics, part of Exact Sciences
Classification: Uncertain significance for FBN1-related condition. Last evaluated: 2023-05-03. Review status: criteria provided, single submitter. Criteria: ACMG Guidelines, 2015. Collection method: clinical testing. Allele origin: germline.
Comment: The FBN1 c.3586G>A variant is predicted to result in the amino acid substitution p.Val1196Ile. This variant was reported as a variant of uncertain significance in an individual with aortic dilation (Table S1, Zarate et al. 2015. PubMed ID: 26133393) and in an individual with idiopathic scoliosis (described as chr15:48779275 C > T (V1197I), Haller et al. 2015. PubMed ID: 26333736). This variant is reported in 0.00089% of alleles in individuals of European (Non-Finnish) descent in gnomAD. At this time, the clinical significance of this variant is uncertain due to the absence of conclusive functional and genetic evidence.

Women's Health and Genetics/Laboratory Corporation of America, LabCorp
Classification: Uncertain significance. Last evaluated: 2022-09-06. Review status: criteria provided, single submitter. Criteria: LabCorp Variant Classification Summary - May 2015. Collection method: clinical testing. Allele origin: germline.
Comment: Variant summary: FBN1 c.3586G>A (p.Val1196Ile) results in a conservative amino acid change located in the EGF-like domain (IPR000742) of the encoded protein sequence. Three of five in-silico tools predict a benign effect of the variant on protein function. The variant allele was found at a frequency of 4.1e-06 in 245352 control chromosomes (gnomAD). The available data on variant occurrences in the general population are insufficient to allow any conclusion about variant significance. c.3586G>A has been reported in the literature in individuals affected with aortic dilation and adolescent idiopathic scoliosis (Haller_2015, Zarate_2015). These report(s) do not provide unequivocal conclusions about association of the variant with FBN1-Related Disorders. To our knowledge, no experimental evidence demonstrating an impact on protein function has been reported. Two ClinVar submitters (evaluation after 2014) cite the variant as uncertain significance. Based on the evidence outlined above, the variant was classified as uncertain significance.

Literature cited by the submitters: PubMed 26133393 (cited by 3 submitters); PubMed 26333736 (cited by 3 submitters).

NM_000138.5(FBN1):c.3586G>A (p.Val1196Ile)

Gene: FBN1 (fibrillin 1; minus strand). Cytogenetic location: 15q21.1.
Variant type: single nucleotide variant.
Coding change: c.3586G>A on transcript NM_000138.5 (MANE Select); coding-DNA position 3586, G replaced by A.
Protein change: p.Val1196Ile; replaces valine 1196 with isoleucine.
Molecular consequence: missense variant.
Genome position (GRCh38, 1-based): chr15:48,487,078, C>T on the plus strand (G>A on the coding strand, the complement: FBN1 is on the minus strand). VCF-style: chr15-48487078-C-T. GRCh37 (hg19) VCF-style: chr15-48779275-C-T.
Other names: short protein forms V1196I.
Identifiers: ClinVar variation 1172320 (VCV001172320.16), dbSNP rs1352765609, ClinGen allele CA392324873.